The following is an entry in ClinVar:

NM_001375808.2(LPIN2):c.2053A>G (p.Ile685Val)

Gene: LPIN2 (lipin 2; minus strand). Cytogenetic location: 18p11.31.
Variant type: single nucleotide variant.
Coding change: c.2053A>G on transcript NM_001375808.2 (MANE Select); coding-DNA position 2053, A replaced by G.
Protein change: p.Ile685Val; replaces isoleucine 685 with valine.
Molecular consequence: missense variant.
Genome position (GRCh38, 1-based): chr18:2,924,432, T>C on the plus strand (A>G on the coding strand, the complement: LPIN2 is on the minus strand). VCF-style: chr18-2924432-T-C. GRCh37 (hg19) VCF-style: chr18-2924430-T-C.
Other names: c.2053A>G, p.Ile685Val (NM_001375809.1, NM_014646.2); short protein forms I685V.
Identifiers: ClinVar variation 2112283 (VCV002112283.4), dbSNP rs2510244924, ClinGen allele CA401700464.

ClinVar aggregate classification (germline): Uncertain significance (1 of 4 stars; one submission).

Conditions:
Majeed syndrome (MJDS). Also called: CHRONIC RECURRENT MULTIFOCAL OSTEOMYELITIS 1, WITH CONGENITAL DYSERYTHROPOIETIC ANEMIA, WITH OR WITHOUT NEUTROPHILIC DERMATOSIS; LPIN2-Related Majeed Syndrome. Identifiers: Orphanet 77297, MedGen C1864997, MONDO:0012316, OMIM 609628.

Allele frequency attached by ClinVar (database versions not stated): gnomAD exomes below 0.00001.
gnomAD v4.1: 1 of 1,614,198 alleles (0.000062%); highest among the groups gnomAD compares: Non-Finnish European, 0.000085%; no homozygotes.

Submission:

Labcorp Genetics (formerly Invitae), Labcorp
Classification: Uncertain significance for Majeed syndrome. Last evaluated: 2022-11-15. Review status: criteria provided, single submitter. Criteria: Invitae Variant Classification Sherloc (09022015). Collection method: clinical testing. Allele origin: germline.
Comment: This sequence change replaces isoleucine, which is neutral and non-polar, with valine, which is neutral and non-polar, at codon 685 of the LPIN2 protein (p.Ile685Val). This variant is not present in population databases (gnomAD no frequency). This variant has not been reported in the literature in individuals affected with LPIN2-related conditions. Advanced modeling of protein sequence and biophysical properties (such as structural, functional, and spatial information, amino acid conservation, physicochemical variation, residue mobility, and thermodynamic stability) performed at Invitae indicates that this missense variant is not expected to disrupt LPIN2 protein function. In summary, the available evidence is currently insufficient to determine the role of this variant in disease. Therefore, it has been classified as a Variant of Uncertain Significance.